The following is an entry in ClinVar:

ClinVar aggregate classification (germline): Uncertain significance (1 of 4 stars; one submission).

Conditions:
Long QT syndrome (LQTS). Identifiers: MedGen C0023976, MeSH D008133, MONDO:0002442. Disease mechanism: loss of function. Inheritance: Various modes of inheritance.

Submission:

Labcorp Genetics (formerly Invitae), Labcorp
Classification: Uncertain significance for Long QT syndrome. Last evaluated: 2022-10-25. Review status: criteria provided, single submitter. Criteria: Invitae Variant Classification Sherloc (09022015). Collection method: clinical testing. Allele origin: germline.
Comment: This sequence change replaces glutamine, which is neutral and polar, with lysine, which is basic and polar, at codon 1154 of the AKAP9 protein (p.Gln1154Lys). This variant is not present in population databases (gnomAD no frequency). This variant has not been reported in the literature in individuals affected with AKAP9-related conditions. Algorithms developed to predict the effect of missense changes on protein structure and function are either unavailable or do not agree on the potential impact of this missense change (SIFT: "Tolerated"; PolyPhen-2: "Possibly Damaging"; Align-GVGD: "Class C0"). In summary, the available evidence is currently insufficient to determine the role of this variant in disease. Therefore, it has been classified as a Variant of Uncertain Significance.

NM_005751.5(AKAP9):c.3460C>A (p.Gln1154Lys)

Gene: AKAP9 (A-kinase anchoring protein 9; plus strand). Cytogenetic location: 7q21.2.
Variant type: single nucleotide variant.
Coding change: c.3460C>A on transcript NM_005751.5 (MANE Select); coding-DNA position 3460, C replaced by A.
Protein change: p.Gln1154Lys; replaces glutamine 1154 with lysine.
Molecular consequence: missense variant.
Genome position (GRCh38, 1-based): chr7:92,012,570, C>A. VCF-style: chr7-92012570-C-A. GRCh37 (hg19) VCF-style: chr7-91641884-C-A.
Other names: c.3460C>A, p.Gln1154Lys (NM_147185.3); short protein forms Q1154K.
Identifiers: ClinVar variation 2077899 (VCV002077899.4), dbSNP rs368522984, ClinGen allele CA368126046.